The following is an entry in ClinVar:

ClinVar aggregate classification (germline): Conflicting classifications of pathogenicity. Review status: criteria provided, conflicting classifications (1 of 4 stars). 5 submissions from 5 submitters: Uncertain significance (4); Likely benign (1). Last evaluated 2025-12-19.

Conditions:
Neuropathy, hereditary sensory, type 2C. Also called: Hereditary sensory and autonomic neuropathy type IIC; KIF1A-Related HSAN2 (HSAN2C). Identifiers: Orphanet 970, MedGen C3280168, MONDO:0013634, OMIM 614213.
Intellectual disability, autosomal dominant 9 (NESCAVS). Also called: KIF1A-Related Neurodevelopmental Disorder; NESCAV SYNDROME. Identifiers: Orphanet 662367, MedGen C5393830, MONDO:0013656, OMIM 614255.
Hereditary spastic paraplegia 30. Identifiers: Orphanet 101010, MedGen C5235139, MONDO:0012476.
KIF1A-related disorder. Also called: KIF1A-related disorders; KIF1A-related condition.

Allele frequency attached by ClinVar (database versions not stated): ExAC 0.00001; gnomAD exomes 0.00001; TOPMed 0.00001.
gnomAD v4.1: 17 of 1,613,340 alleles (0.0011%); highest among the groups gnomAD compares: Non-Finnish European, 0.0014%; no homozygotes.

Submissions (5):

PreventionGenetics, part of Exact Sciences
Classification: Uncertain significance for KIF1A-related condition. Last evaluated: 2025-12-19. Review status: criteria provided, single submitter. Criteria: ACMG Guidelines, 2015. Collection method: clinical testing. Allele origin: germline.
Comment: The KIF1A c.3911G>A variant is predicted to result in the amino acid substitution p.Arg1304Gln. To our knowledge, this variant has not been reported in the literature. This variant is reported in 0.0018% of alleles in individuals of European (Non-Finnish) descent in gnomAD. At this time, the clinical significance of this variant is uncertain due to the absence of conclusive functional and genetic evidence.

Athena Diagnostics
Classification: Uncertain significance. Last evaluated: 2025-09-22. Review status: criteria provided, single submitter. Criteria: Athena Diagnostics Criteria. Collection method: clinical testing. Allele origin: unknown.
Comment: Available data are insufficient to determine the clinical significance of the variant at this time. The frequency of this variant in the general population is uninformative in assessment of its pathogenicity. Polyphen and MutationTaster yielded discordant predictions regarding whether this amino acid change is damaging to the protein.

Labcorp Genetics (formerly Invitae), Labcorp
Classification: Likely benign for Hereditary spastic paraplegia 30; Neuropathy, hereditary sensory, type 2C; Intellectual disability, autosomal dominant 9. Last evaluated: 2024-08-15. Review status: criteria provided, single submitter. Criteria: Invitae Variant Classification Sherloc (09022015). Collection method: clinical testing. Allele origin: germline.

GeneDx
Classification: Uncertain significance. Last evaluated: 2022-02-03. Review status: criteria provided, single submitter. Criteria: GeneDx Variant Classification Process June 2021. Collection method: clinical testing. Allele origin: germline. Affected: yes.
Comment: In silico analysis supports that this missense variant has a deleterious effect on protein structure/function; Has not been previously published as pathogenic or benign to our knowledge

Illumina Laboratory Services, Illumina
Classification: Uncertain significance for Spastic paraplegia 30A, autosomal dominant. Last evaluated: 2018-01-13. Review status: criteria provided, single submitter. Criteria: ICSL Variant Classification Criteria 13 December 2019. Collection method: clinical testing. Allele origin: germline.

NM_001244008.2(KIF1A):c.3911G>A (p.Arg1304Gln)

Gene: KIF1A (kinesin family member 1A; minus strand). Cytogenetic location: 2q37.3.
Variant type: single nucleotide variant.
Coding change: c.3911G>A on transcript NM_001244008.2 (MANE Select); coding-DNA position 3911, G replaced by A.
Protein change: p.Arg1304Gln; replaces arginine 1304 with glutamine.
Molecular consequence: missense variant.
Genome position (GRCh38, 1-based): chr2:240,737,159, C>T on the plus strand (G>A on the coding strand, the complement: KIF1A is on the minus strand). VCF-style: chr2-240737159-C-T. GRCh37 (hg19) VCF-style: chr2-241676576-C-T.
Other names: c.3635G>A, p.Arg1212Gln (NM_001320705.2, NM_001330289.2, NM_001379638.1); c.3710G>A, p.Arg1237Gln (NM_001330290.2, NM_001379634.1, NM_001379635.1 and 1 more transcripts); c.3986G>A, p.Arg1329Gln (NM_001379631.1); c.3860G>A, p.Arg1287Gln (NM_001379632.1); c.3884G>A, p.Arg1295Gln (NM_001379633.1, NM_001379642.1, NM_001379645.1); c.3722G>A, p.Arg1241Gln (NM_001379636.1); c.3683G>A, p.Arg1228Gln (NM_001379637.1, NM_001379648.1); c.3608G>A, p.Arg1203Gln (NM_001379639.1, NM_001379641.1, NM_001379649.1 and 4 more transcripts); and 2 more; short protein forms R1237Q, R1304Q, R1203Q, R1212Q, R1241Q, R1228Q, R1295Q, R1287Q.
Identifiers: ClinVar variation 898030 (VCV000898030.14), dbSNP rs762988579, ClinGen allele CA2207581.